The following is an entry in ClinVar:

NM_007294.4(BRCA1):c.2188G>T (p.Glu730Ter)

Gene: BRCA1 (BRCA1 DNA repair associated; minus strand). Cytogenetic location: 17q21.31.
Variant type: single nucleotide variant.
Coding change: c.2188G>T on transcript NM_007294.4 (MANE Select); coding-DNA position 2188, G replaced by T.
Protein change: p.Glu730Ter; replaces glutamic acid 730 with a stop codon.
Molecular consequence: nonsense. On other transcripts: intron variant (137).
Genome position (GRCh38, 1-based): chr17:43,093,343, C>A on the plus strand (G>T on the coding strand, the complement: BRCA1 is on the minus strand). VCF-style: chr17-43093343-C-A. GRCh37 (hg19) VCF-style: chr17-41245360-C-A.
Other names: c.2047G>T, p.Glu683Ter (NM_001407724.1, NM_001407725.1, NM_001407726.1 and 29 more transcripts); c.2044G>T, p.Glu682Ter (NM_001407740.1, NM_001407741.1, NM_001407742.1 and 20 more transcripts); c.1975G>T, p.Glu659Ter (NM_001407853.1, NM_001407894.1, NM_001407895.1 and 9 more transcripts); c.2188G>T, p.Glu730Ter (NM_001407854.1, NM_001407858.1, NM_001407859.1 and 30 more transcripts); c.2185G>T, p.Glu729Ter (NM_001407860.1, NM_001407861.1, NM_001407587.1 and 22 more transcripts); c.1987G>T, p.Glu663Ter (NM_001407862.1); c.2065G>T, p.Glu689Ter (NM_001407863.1, NM_001407919.1, NM_001407937.1 and 19 more transcripts); c.1984G>T, p.Glu662Ter (NM_001407874.1, NM_001407875.1); and 41 more; short protein forms E730*, E683*, E641*, E663*, E689*, E703*, E434*, E602*.
Identifiers: ClinVar variation 54488 (VCV000054488.11), dbSNP rs80357058, ClinGen allele CA001461.

ClinVar aggregate classification (germline): Pathogenic. Review status: reviewed by expert panel (3 of 4 stars). 5 submissions from 5 submitters: Pathogenic (1). 4 of the submissions do not count toward it. Last evaluated 2016-09-08.

Conditions:
Inherited ovarian cancer (without breast cancer).
Hereditary breast ovarian cancer syndrome. Also called: Hereditary breast and ovarian cancer syndrome (HBOC); Hereditary breast and ovarian cancer syndrome; Hereditary breast and ovarian cancer; Hereditary breast and/or ovarian cancer syndrome; Breast and ovarian cancer; BRCA1- and BRCA2-Associated Hereditary Breast and Ovarian Cancer. Identifiers: Orphanet 145, MedGen C0677776, MeSH D061325, MONDO:0003582. Disease mechanism: loss of function.
Breast-ovarian cancer, familial, susceptibility to, 1 (BROVCA1). Also called: OVARIAN CANCER, SUSCEPTIBILITY TO; BRCA1 Hereditary Breast and Ovarian Cancer. Identifiers: Orphanet 145, MedGen C2676676, MONDO:0011450, OMIM 604370. Disease mechanism: loss of function.
Malignant tumor of breast. Also called: Malignant breast neoplasm; Cancer breast. Identifiers: MedGen C0006142, MONDO:0007254. Disease mechanism: loss of function.

Submissions (5):

Evidence-based Network for the Interpretation of Germline Mutant Alleles (ENIGMA)
Classification: Pathogenic for Breast-ovarian cancer, familial, susceptibility to, 1. Last evaluated: 2016-09-08. Review status: reviewed by expert panel. Criteria: ENIGMA BRCA1/2 Classification Criteria (2015). Collection method: curation. Allele origin: germline.
Comment: Variant allele predicted to encode a truncated non-functional protein.

Cambridge Genomics Laboratory, East Genomic Laboratory Hub, NHS Genomic Medicine Service
Classification: Pathogenic for Inherited ovarian cancer (without breast cancer). Last evaluated: 2025-02-06. Review status: criteria provided, single submitter. Criteria: ACGS Best Practice Guidelines for Variant Classification in Rare Disease 2020. Collection method: clinical testing. Allele origin: germline. Affected: yes. Not counted in ClinVar's aggregate classification.
Comment: PVS1,PM2,PM5_Strong

Labcorp Genetics (formerly Invitae), Labcorp
Classification: Pathogenic for Hereditary breast ovarian cancer syndrome. Last evaluated: 2022-09-14. Review status: criteria provided, single submitter. Criteria: Invitae Variant Classification Sherloc (09022015). Collection method: clinical testing. Allele origin: germline. Not counted in ClinVar's aggregate classification.
Comment: For these reasons, this variant has been classified as Pathogenic. ClinVar contains an entry for this variant (Variation ID: 54488). This premature translational stop signal has been observed in individual(s) with breast and/or ovarian cancer (PMID: 22010008, 27907908, 31825140). This variant is not present in population databases (gnomAD no frequency). This sequence change creates a premature translational stop signal (p.Glu730*) in the BRCA1 gene. It is expected to result in an absent or disrupted protein product. Loss-of-function variants in BRCA1 are known to be pathogenic (PMID: 20104584).

Breast Cancer Information Core (BIC) (BRCA1)
Classification: Pathogenic for Breast-ovarian cancer, familial 1. Last evaluated: 1997-11-14. Review status: no assertion criteria provided. Collection method: clinical testing. Allele origin: germline. Affected: yes. Observed: 1 variant allele. Not counted in ClinVar's aggregate classification.

Department of Pathology and Laboratory Medicine, Sinai Health System
Classification: Pathogenic for Malignant tumor of breast. Review status: no assertion criteria provided. Collection method: clinical testing. Allele origin: unknown. Affected: yes. Study: The Canadian Open Genetics Repository (COGR). Not counted in ClinVar's aggregate classification.
Comment: The BRCA1 p.Glu730* variant was identified in 3 of 4678 proband chromosomes (frequency: 0.0006) from individuals or families with ovarian cancer (Chao 2016, Song 2014). The variant was also identified in dbSNP (ID: rs80357058) as "With Pathogenic allele", ClinVar (classified as pathogenic by BIC and ENIGMA), and in LOVD 3.0 (1x as pathogenic). The variant was not identified in UMD-LSDB. The variant was not identified in the following control databases: the Exome Aggregation Consortium (August 8th 2016), or the Genome Aggregation Database (Feb 27, 2017). The c.2188G>T variant leads to a premature stop codon at position 730 which is predicted to lead to a truncated or absent protein and loss of function. Loss of function variants of the BRCA1 gene are an established mechanism of disease in BRCA1 associated cancers and is the type of variant expected to cause the disorder. In summary, based on the above information this variant meets our laboratoryâ€šÃ„Ã´s criteria to be classified as pathogenic.

Literature cited by the submitters: PubMed 22010008 (cited by Labcorp Genetics (formerly Invitae), Labcorp); PubMed 27907908 (cited by Labcorp Genetics (formerly Invitae), Labcorp); PubMed 31825140 (cited by Labcorp Genetics (formerly Invitae), Labcorp); PubMed 20104584 (cited by Labcorp Genetics (formerly Invitae), Labcorp).